The following is an entry in ClinVar:

NM_001846.4(COL4A2):c.3398C>G (p.Pro1133Arg)

Gene: COL4A2 (collagen type IV alpha 2 chain; plus strand). Cytogenetic location: 13q34.
Variant type: single nucleotide variant.
Coding change: c.3398C>G on transcript NM_001846.4 (MANE Select); coding-DNA position 3398, C replaced by G.
Protein change: p.Pro1133Arg; replaces proline 1133 with arginine.
Molecular consequence: missense variant.
Genome position (GRCh38, 1-based): chr13:110,491,284, C>G. VCF-style: chr13-110491284-C-G. GRCh37 (hg19) VCF-style: chr13-111143631-C-G.
Other names: short protein forms P1133R.
Identifiers: ClinVar variation 3373590 (VCV003373590.1).

ClinVar aggregate classification (germline): Uncertain significance (1 of 4 stars; one submission).

Submission:

GeneDx
Classification: Uncertain significance. Last evaluated: 2024-02-29. Review status: criteria provided, single submitter. Criteria: GeneDx Variant Classification Process June 2021. Collection method: clinical testing. Allele origin: germline. Affected: yes.
Comment: In silico analysis supports that this missense variant has a deleterious effect on protein structure/function; Has not been previously published as pathogenic or benign to our knowledge